The following is an entry in ClinVar:

ClinVar aggregate classification (germline): Conflicting classifications of pathogenicity. Review status: criteria provided, conflicting classifications (1 of 4 stars). 4 submissions from 4 submitters: Likely pathogenic (1); Uncertain significance (3). Last evaluated 2025-01-09.

Conditions:
Autosomal recessive nonsyndromic hearing loss 49. Also called: Deafness, neurosensory, autosomal recessive 49. Identifiers: Orphanet 90636, MedGen C1857811, MONDO:0012420, OMIM 610153.

Allele frequency attached by ClinVar (database versions not stated): gnomAD exomes below 0.00001 and 0.00002; gnomAD 0.00001; TOPMed 0.00001; ExAC 0.00002; 1000 Genomes Project 30x 0.00016; 1000 Genomes Project 0.00020.

Submissions (4):

Institute of Rare Diseases, West China Hospital, Sichuan University
Classification: Likely pathogenic for Autosomal recessive nonsyndromic hearing loss 49. Last evaluated: 2025-01-09. Review status: criteria provided, single submitter. Criteria: ClinGen HL ACMG Specifications v1. Collection method: research. Allele origin: germline. Affected: yes.
Comment: PM3_VeryStrong;PM2_Supporting

Blueprint Genetics
Classification: Uncertain significance. Last evaluated: 2023-01-03. Review status: criteria provided, single submitter. Criteria: ACMG Guidelines, 2015. Collection method: clinical testing. Allele origin: germline.

Labcorp Genetics (formerly Invitae), Labcorp
Classification: Uncertain significance. Last evaluated: 2022-03-10. Review status: criteria provided, single submitter. Criteria: Invitae Variant Classification Sherloc (09022015). Collection method: clinical testing. Allele origin: germline.
Comment: In summary, the available evidence is currently insufficient to determine the role of this variant in disease. Therefore, it has been classified as a Variant of Uncertain Significance. Algorithms developed to predict the effect of missense changes on protein structure and function are either unavailable or do not agree on the potential impact of this missense change (SIFT: "Deleterious"; PolyPhen-2: "Probably Damaging"; Align-GVGD: "Class C0"). This variant has not been reported in the literature in individuals affected with MARVELD2-related conditions. This variant is present in population databases (rs556959034, gnomAD 0.03%). This sequence change replaces glycine, which is neutral and non-polar, with glutamic acid, which is acidic and polar, at codon 261 of the MARVELD2 protein (p.Gly261Glu).

Precision Medicine Center, Zhengzhou University
Classification: Uncertain significance for Autosomal recessive nonsyndromic hearing loss 49. Review status: criteria provided, single submitter. Criteria: ACMG Guidelines, 2015. Collection method: clinical testing. Allele origin: germline. Inheritance: Autosomal recessive inheritance. Affected: yes. Observed: 1 variant allele.
Comment: The c.782G>A variant is classified as a Variant of Uncertain Significance (VUS) with supporting evidence from both PM2_supporting and PM3 criteria.

Literature cited by the submitters: PubMed 30311386 (cited by Precision Medicine Center, Zhengzhou University).

NM_001038603.3(MARVELD2):c.782G>A (p.Gly261Glu)

Gene: MARVELD2 (MARVEL domain containing 2; plus strand). Cytogenetic location: 5q13.2.
Variant type: single nucleotide variant.
Coding change: c.782G>A on transcript NM_001038603.3 (MANE Select); coding-DNA position 782, G replaced by A.
Protein change: p.Gly261Glu; replaces glycine 261 with glutamic acid.
Molecular consequence: missense variant.
Genome position (GRCh38, 1-based): chr5:69,420,167, G>A. VCF-style: chr5-69420167-G-A. GRCh37 (hg19) VCF-style: chr5-68715994-G-A.
Other names: c.782G>A, p.Gly261Glu (NM_001244734.2); short protein forms G261E.
Identifiers: ClinVar variation 1503405 (VCV001503405.11), dbSNP rs556959034, ClinGen allele CA3294111.